The following is an entry in ClinVar:

NM_004006.3(DMD):c.4222C>T (p.Gln1408Ter)

Gene: DMD (dystrophin; minus strand). Cytogenetic location: Xp21.1.
Variant type: single nucleotide variant.
Coding change: c.4222C>T on transcript NM_004006.3 (MANE Select); coding-DNA position 4222, C replaced by T.
Protein change: p.Gln1408Ter; replaces glutamine 1408 with a stop codon.
Molecular consequence: nonsense.
Genome position (GRCh38, 1-based): chrX:32,411,763, G>A on the plus strand (C>T on the coding strand, the complement: DMD is on the minus strand). VCF-style: chrX-32411763-G-A. GRCh37 (hg19) VCF-style: chrX-32429880-G-A.
Other names: c.4198C>T, p.Gln1400Ter (NM_000109.4); c.4210C>T, p.Gln1404Ter (NM_004009.3); c.3853C>T, p.Gln1285Ter (NM_004010.3); c.199C>T, p.Gln67Ter (NM_004011.4); c.190C>T, p.Gln64Ter (NM_004012.4); short protein forms Q1408*, Q1400*, Q1285*, Q1404*, Q67*, Q64*.
Identifiers: ClinVar variation 391925 (VCV000391925.3), dbSNP rs1057524291, ClinGen allele CA16609178.

ClinVar aggregate classification (germline): Pathogenic/Likely pathogenic. Review status: criteria provided, multiple submitters, no conflicts (2 of 4 stars). 2 submissions from 2 submitters: Pathogenic (1); Likely pathogenic (1). Last evaluated 2024-05-08.

Conditions:
Progressive muscular dystrophy. Identifiers: Orphanet 206644, MedGen C4551827, MONDO:0016106.

Submissions (2):

Myriad Genetics, Inc.
Classification: Pathogenic for Progressive muscular dystrophy. Last evaluated: 2024-05-08. Review status: criteria provided, single submitter. Criteria: Myriad Autosomal Dominant, Autosomal Recessive and X-Linked Classification Criteria (2023). Collection method: clinical testing. Allele origin: unknown.
Comment: NM_004006.2(DMD):c.4222C>T(Q1408*) is expected to be pathogenic in the context of dystrophinopathy (including Duchenne/Becker muscular dystrophy). This variant is predicted to lead to an abnormal or absent protein product due to the creation of a premature termination codon in DMD, a gene where loss-of-function variants are known to be pathogenic. Please note: this variant was assessed in the context of healthy population screening.

GeneDx
Classification: Likely pathogenic. Last evaluated: 2017-06-29. Review status: criteria provided, single submitter. Criteria: GeneDx Variant Classification (06012015). Collection method: clinical testing. Allele origin: germline. Affected: yes.
Comment: A variant that is likely pathogenic has been identified in the DMD gene. The Q1408X variant is not observed in large population cohorts (Lek et al., 2016; 1000 Genomes Consortium et al., 2015; Exome Variant Server). This variant is predicted to cause loss of normal protein function either through protein truncation or nonsense-mediated mRNA decay. Although Q1408X has not been previously reported to our knowledge, other nonsense variants in the DMD gene have been reported in the Human Gene Mutation Database in association with dystrophinopathies (Stenson et al., 2014). Therefore, this variant is likely pathogenic; however, the possibility that it is benign cannot be excluded.